The following is an entry in ClinVar:

ClinVar aggregate classification (germline): Uncertain significance. Review status: criteria provided, multiple submitters, no conflicts (2 of 4 stars). 2 submissions from 2 submitters: Uncertain significance (2). Last evaluated 2022-08-26.

Conditions:
Hereditary cancer-predisposing syndrome. Also called: Neoplastic Syndromes, Hereditary; Tumor predisposition; Hereditary Cancer Syndrome; Hereditary neoplastic syndrome. Identifiers: Orphanet 140162, MedGen C0027672, MeSH D009386, MONDO:0015356.
Rhabdoid tumor predisposition syndrome 2 (RTPS2). Identifiers: Orphanet 231108, Orphanet 69077, MedGen C2750074, MONDO:0013224, OMIM 613325.

Allele frequency attached by ClinVar (database versions not stated): gnomAD 0.00001.
gnomAD v4.1: 2 of 1,612,428 alleles (0.00012%); highest among the groups gnomAD compares: African/African-American, 0.0027%; no homozygotes.

Submissions (2):

Ambry Genetics
Classification: Uncertain significance for Hereditary cancer-predisposing syndrome. Last evaluated: 2022-08-26. Review status: criteria provided, single submitter. Criteria: Ambry Variant Classification Scheme 2023. Collection method: clinical testing. Allele origin: germline.
Comment: The p.I352F variant (also known as c.1054A>T), located in coding exon 5 of the SMARCA4 gene, results from an A to T substitution at nucleotide position 1054. The isoleucine at codon 352 is replaced by phenylalanine, an amino acid with highly similar properties. This amino acid position is highly conserved in available vertebrate species. In addition, the in silico prediction for this alteration is inconclusive. Missense and in-frame variants in SMARCA4 are known to cause neurodevelopmental disorders; however, such associations with rhabdoid tumor predisposition syndrome including small cell carcinoma of the ovary-hypercalcemic type (SCCOHT) are exceedingly rare (Kosho T et al. Am J Med Genet C Semin Med Genet. 2014 Sep;166C(3):262-75; Jelinic P et al. Nat Genet. 2014 May;46(5):424-6). Since supporting evidence is limited at this time, the clinical significance of this alteration remains unclear.

Labcorp Genetics (formerly Invitae), Labcorp
Classification: Uncertain significance for Rhabdoid tumor predisposition syndrome 2. Last evaluated: 2022-03-28. Review status: criteria provided, single submitter. Criteria: Invitae Variant Classification Sherloc (09022015). Collection method: clinical testing. Allele origin: germline.
Comment: In summary, the available evidence is currently insufficient to determine the role of this variant in disease. Therefore, it has been classified as a Variant of Uncertain Significance. Algorithms developed to predict the effect of missense changes on protein structure and function are either unavailable or do not agree on the potential impact of this missense change (SIFT: "Deleterious"; PolyPhen-2: "Benign"; Align-GVGD: "Class C15"). This variant has not been reported in the literature in individuals affected with SMARCA4-related conditions. This variant is present in population databases (no rsID available, gnomAD 0.007%). This sequence change replaces isoleucine, which is neutral and non-polar, with phenylalanine, which is neutral and non-polar, at codon 352 of the SMARCA4 protein (p.Ile352Phe).

NM_003072.5(SMARCA4):c.1054A>T (p.Ile352Phe)

Gene: SMARCA4 (SWI/SNF related BAF chromatin remodeling complex subunit ATPase 4; plus strand). Cytogenetic location: 19p13.2.
Variant type: single nucleotide variant.
Coding change: c.1054A>T on transcript NM_003072.5 (MANE Select); coding-DNA position 1054, A replaced by T.
Protein change: p.Ile352Phe; replaces isoleucine 352 with phenylalanine.
Molecular consequence: missense variant. On other transcripts: non-coding transcript variant (1).
Genome position (GRCh38, 1-based): chr19:10,987,860, A>T. VCF-style: chr19-10987860-A-T. GRCh37 (hg19) VCF-style: chr19-11098536-A-T.
Other names: c.1054A>T, p.Ile352Phe (NM_001128844.3, NM_001128845.2, NM_001128846.2 and 6 more transcripts); short protein forms I352F.
Identifiers: ClinVar variation 1778071 (VCV001778071.7), dbSNP rs1160748623, ClinGen allele CA404058719.